The following is an entry in ClinVar:

NM_032520.5(GNPTG):c.264C>A (p.Asn88Lys)

Gene: GNPTG (N-acetylglucosamine-1-phosphate transferase subunit gamma; plus strand). Cytogenetic location: 16p13.3.
Variant type: single nucleotide variant.
Coding change: c.264C>A on transcript NM_032520.5 (MANE Select); coding-DNA position 264, C replaced by A.
Protein change: p.Asn88Lys; replaces asparagine 88 with lysine.
Molecular consequence: missense variant.
Genome position (GRCh38, 1-based): chr16:1,361,902, C>A. VCF-style: chr16-1361902-C-A. GRCh37 (hg19) VCF-style: chr16-1411903-C-A.
Other names: short protein forms N88K.
Identifiers: ClinVar variation 1023868 (VCV001023868.6), dbSNP rs145313679, ClinGen allele CA276656581.

ClinVar aggregate classification (germline): Uncertain significance (1 of 4 stars; one submission).

Allele frequency attached by ClinVar (database versions not stated): TOPMed 0.00001.

Submission:

Labcorp Genetics (formerly Invitae), Labcorp
Classification: Uncertain significance. Last evaluated: 2022-08-31. Review status: criteria provided, single submitter. Criteria: Invitae Variant Classification Sherloc (09022015). Collection method: clinical testing. Allele origin: germline.
Comment: This sequence change replaces asparagine, which is neutral and polar, with lysine, which is basic and polar, at codon 88 of the GNPTG protein (p.Asn88Lys). This variant is not present in population databases (gnomAD no frequency). This variant has not been reported in the literature in individuals affected with GNPTG-related conditions. ClinVar contains an entry for this variant (Variation ID: 1023868). Algorithms developed to predict the effect of missense changes on protein structure and function are either unavailable or do not agree on the potential impact of this missense change (SIFT: "Tolerated"; PolyPhen-2: "Probably Damaging"; Align-GVGD: "Class C0"). Algorithms developed to predict the effect of sequence changes on RNA splicing suggest that this variant may create or strengthen a splice site. In summary, the available evidence is currently insufficient to determine the role of this variant in disease. Therefore, it has been classified as a Variant of Uncertain Significance.